The following is an entry in ClinVar:

NM_020843.4(SCAPER):c.3151A>G (p.Thr1051Ala)

Genes: SCAPER (S-phase cyclin A associated protein in the ER; minus strand), LOC126862183 (BRD4-independent group 4 enhancer GRCh37_chr15:76726060-76727259; plus strand). Cytogenetic location: 15q24.3.
Variant type: single nucleotide variant.
Coding change: c.3151A>G on transcript NM_020843.4 (MANE Select); coding-DNA position 3151, A replaced by G.
Protein change: p.Thr1051Ala; replaces threonine 1051 with alanine.
Molecular consequence: missense variant. On other transcripts: non-coding transcript variant (1).
Genome position (GRCh38, 1-based): chr15:76,434,238, T>C on the plus strand (A>G on the coding strand, the complement: SCAPER is on the minus strand). VCF-style: chr15-76434238-T-C. GRCh37 (hg19) VCF-style: chr15-76726579-T-C.
Other names: c.2413A>G, p.Thr805Ala (NM_001145923.2); c.3169A>G, p.Thr1057Ala (NM_001353009.2); c.2749A>G, p.Thr917Ala (NM_001353010.2, NM_001353012.2); c.2767A>G, p.Thr923Ala (NM_001353011.2); short protein forms T1057A, T923A, T805A, T917A, T1051A.
Identifiers: ClinVar variation 4989154 (VCV004989154.1).
Genomic context (GRCh38, chr15:76,434,238, plus strand): 5'-CATCTGGTCGATTGGCAATCAGGCAGCCCAAAACCACAGCACTGACTTTGAGAAGTCCAG[T>C]TGTCAAGCCTTCAAAAACTTGTTTATTTGTATTTCTCCCCAAAATAGTATTATTTTCATC-3'
Protein context (NP_065894.2, residues 1041-1061): TNKQVFEGLT[Thr1051Ala]GLLKVSAVVL

ClinVar aggregate classification (germline): Uncertain significance (1 of 4 stars; one submission).

Conditions:
SCAPER-related disorder. Also called: SCAPER-related condition.

gnomAD v4.1: 3 of 1,613,814 alleles (0.00019%); highest among the groups gnomAD compares: Admixed American, 0.0017%; no homozygotes.

Submission:

PreventionGenetics, part of Exact Sciences
Classification: Uncertain significance for SCAPER-related condition. Last evaluated: 2025-07-23. Review status: criteria provided, single submitter. Criteria: ACMG Guidelines, 2015. Collection method: clinical testing. Allele origin: germline.
Comment: The SCAPER c.3169A>G variant is predicted to result in the amino acid substitution p.Thr1057Ala. To our knowledge, this variant has not been reported in the literature or in a large population database (gnomAD), indicating this variant is rare. At this time, the clinical significance of this variant is uncertain due to the absence of conclusive functional and genetic evidence.